The following is an entry in ClinVar:

NM_017837.4(PIGV):c.242A>G (p.Tyr81Cys)

Gene: PIGV (phosphatidylinositol glycan anchor biosynthesis class V; plus strand). Cytogenetic location: 1p36.11.
Variant type: single nucleotide variant.
Coding change: c.242A>G on transcript NM_017837.4 (MANE Select); coding-DNA position 242, A replaced by G.
Protein change: p.Tyr81Cys; replaces tyrosine 81 with cysteine.
Molecular consequence: missense variant. On other transcripts: 5 prime UTR variant (1), non-coding transcript variant (1), intron variant (3).
Genome position (GRCh38, 1-based): chr1:26,794,276, A>G. VCF-style: chr1-26794276-A-G. GRCh37 (hg19) VCF-style: chr1-27120767-A-G.
Other names: c.242A>G, p.Tyr81Cys (NM_001202554.2, NM_001374478.1, NM_001374480.1 and 2 more transcripts); c.-140A>G (NM_001374483.1); c.172+70A>G (NM_001374484.1, NM_001374485.1); c.79-3287A>G (NM_001374486.1); short protein forms Y81C.
Identifiers: ClinVar variation 1164077 (VCV001164077.4), dbSNP rs2081349672, ClinGen allele CA339199085.

ClinVar aggregate classification (germline): Uncertain significance (1 of 4 stars; one submission).

Conditions:
Hyperphosphatasia with impaired intellectual development syndrome 1. Also called: MABRY SYNDROME; GLYCOSYLPHOSPHATIDYLINOSITOL BIOSYNTHESIS DEFECT 2; Hyperphosphatasia with intellectual disability syndrome 1. Identifiers: Orphanet 247262, MedGen C4551502, MONDO:0009398, OMIM 239300.

Submission:

Institute of Human Genetics, University of Goettingen
Classification: Uncertain significance for Hyperphosphatasia with impaired intellectual development syndrome 1. Last evaluated: 2021-08-12. Review status: criteria provided, single submitter. Criteria: ACMG Guidelines, 2015. Collection method: clinical testing. Allele origin: inherited. Inheritance: Autosomal recessive inheritance. Observed: 1 variant allele, 1 homozygote.
Comment: The variant c.242A>G (p.(Tyr81Cys)) in exon 3 of the PIGV-gene is not found in the gnomAD database, it affects a weakly conserved nucleotide a moderately conserved amino acid and there is a large physicochemical difference between Tyr and Cys. This variant has a pathogenic computational verdict based on 11 pathogenic predictions from BayesDel_addAF, DANN, DEOGEN2, EIGEN, FATHMM-MKL, LIST-S2, M-CAP, MVP, MutationAssessor, MutationTaster and SIFT vs 1 benign prediction from PrimateAI. Biochemical analysis was not yet performed to determine whether the alkaline phosphatase concentrations are elevated (which is a signature hallmark in patients with PIGV-associated Hyperphosphatasia with mental retardation syndrome 1 (HPMRS1, OMIM: 239300)). Thus, we consider this variant a variant of unknown significance with tendency to be pathogenic. ACMG criteria used for classification: PM2, PP3, PP2.